The following is an entry in ClinVar:

ClinVar aggregate classification (germline): Uncertain significance. Review status: criteria provided, multiple submitters, no conflicts (2 of 4 stars). 2 submissions from 2 submitters: Uncertain significance (2). Last evaluated 2025-05-05.

Conditions:
Hereditary breast ovarian cancer syndrome. Also called: BRCA1- and BRCA2-Associated Hereditary Breast and Ovarian Cancer; Hereditary breast and/or ovarian cancer syndrome; Hereditary breast and ovarian cancer syndrome; Hereditary breast and ovarian cancer; Breast and ovarian cancer; Hereditary breast and ovarian cancer syndrome (HBOC). Identifiers: Orphanet 145, MedGen C0677776, MeSH D061325, MONDO:0003582. Disease mechanism: loss of function.

Submissions (2):

Labcorp Genetics (formerly Invitae), Labcorp
Classification: Uncertain significance for Hereditary breast ovarian cancer syndrome. Last evaluated: 2025-05-05. Review status: criteria provided, single submitter. Criteria: Invitae Variant Classification Sherloc (09022015). Collection method: clinical testing. Allele origin: germline.
Comment: This sequence change replaces proline, which is neutral and non-polar, with serine, which is neutral and polar, at codon 3116 of the BRCA2 protein (p.Pro3116Ser). This variant is not present in population databases (gnomAD no frequency). This missense change has been observed in individual(s) with breast and ovarian cancer (PMID: 9150154). ClinVar contains an entry for this variant (Variation ID: 935355). Invitae Evidence Modeling of protein sequence and biophysical properties (such as structural, functional, and spatial information, amino acid conservation, physicochemical variation, residue mobility, and thermodynamic stability) indicates that this missense variant is not expected to disrupt BRCA2 protein function with a negative predictive value of 95%. In summary, the available evidence is currently insufficient to determine the role of this variant in disease. Therefore, it has been classified as a Variant of Uncertain Significance.

GeneDx
Classification: Uncertain significance. Last evaluated: 2023-10-16. Review status: criteria provided, single submitter. Criteria: GeneDx Variant Classification Process June 2021. Collection method: clinical testing. Allele origin: germline. Affected: yes.
Comment: Not observed at significant frequency in large population cohorts (gnomAD); In silico analysis supports that this missense variant does not alter protein structure/function; Also known as 9574C>T; Observed in an individual with a personal and/or family history of breast, ovarian, and other cancers (Hkansson et al., 1997); This variant is associated with the following publications: (PMID: 12228710, 9150154)

Literature cited by the submitters: PubMed 9150154 (cited by Labcorp Genetics (formerly Invitae), Labcorp).

NM_000059.4(BRCA2):c.9346C>T (p.Pro3116Ser)

Gene: BRCA2 (BRCA2 DNA repair associated; plus strand). Cytogenetic location: 13q13.1.
Variant type: single nucleotide variant.
Coding change: c.9346C>T on transcript NM_000059.4 (MANE Select); coding-DNA position 9346, C replaced by T.
Protein change: p.Pro3116Ser; replaces proline 3116 with serine.
Molecular consequence: missense variant.
Genome position (GRCh38, 1-based): chr13:32,394,778, C>T. VCF-style: chr13-32394778-C-T. GRCh37 (hg19) VCF-style: chr13-32968915-C-T.
Other names: short protein forms P3116S.
Identifiers: ClinVar variation 935355 (VCV000935355.9), dbSNP rs2073022081, ClinGen allele CA387761073.
Genomic context (GRCh38, chr13:32,394,778, plus strand): 5'-GAATGTTACAATTTACTGGCAATAAAGTTTTGGATAGACCTTAATGAGGACATTATTAAG[C>T]CTCATATGTTAATTGCTGCAAGCAACCTCCAGTGGCGACCAGAATCCAAATCAGGCCTTC-3'
Protein context (NP_000050.3, residues 3106-3126): WIDLNEDIIK[Pro3116Ser]HMLIAASNLQ